The following is an entry in ClinVar:

ClinVar aggregate classification (germline): Uncertain significance (1 of 4 stars; one submission).

Allele frequency attached by ClinVar (database versions not stated): TOPMed 0.00001; gnomAD exomes below 0.00001; ExAC 0.00001; gnomAD 0.00001.

Submission:

Labcorp Genetics (formerly Invitae), Labcorp
Classification: Uncertain significance. Last evaluated: 2022-06-27. Review status: criteria provided, single submitter. Criteria: Invitae Variant Classification Sherloc (09022015). Collection method: clinical testing. Allele origin: germline.
Comment: In summary, the available evidence is currently insufficient to determine the role of this variant in disease. Therefore, it has been classified as a Variant of Uncertain Significance. Algorithms developed to predict the effect of missense changes on protein structure and function are either unavailable or do not agree on the potential impact of this missense change (SIFT: "Deleterious"; PolyPhen-2: "Possibly Damaging"; Align-GVGD: "Class C0"). This variant has not been reported in the literature in individuals affected with PDE6C-related conditions. This variant is present in population databases (rs774984663, gnomAD 0.007%). This sequence change replaces glutamic acid, which is acidic and polar, with glutamine, which is neutral and polar, at codon 77 of the PDE6C protein (p.Glu77Gln).

NM_006204.4(PDE6C):c.229G>C (p.Glu77Gln)

Gene: PDE6C (phosphodiesterase 6C; plus strand). Cytogenetic location: 10q23.33.
Variant type: single nucleotide variant.
Coding change: c.229G>C on transcript NM_006204.4 (MANE Select); coding-DNA position 229, G replaced by C.
Protein change: p.Glu77Gln; replaces glutamic acid 77 with glutamine.
Molecular consequence: missense variant.
Genome position (GRCh38, 1-based): chr10:93,612,954, G>C. VCF-style: chr10-93612954-G-C. GRCh37 (hg19) VCF-style: chr10-95372711-G-C.
Other names: short protein forms E77Q.
Identifiers: ClinVar variation 1388433 (VCV001388433.4), dbSNP rs774984663, ClinGen allele CA5609785.